The following is an entry in ClinVar:

ClinVar aggregate classification (germline): Conflicting classifications of pathogenicity. Review status: criteria provided, conflicting classifications (1 of 4 stars). 7 submissions from 7 submitters: Uncertain significance (5); Likely benign (1). 1 of the submissions does not count toward it. Last evaluated 2025-12-23.

Conditions:
Primary ciliary dyskinesia 3. Identifiers: Orphanet 244, MedGen C1837618, MONDO:0012085, OMIM 608644.
Primary ciliary dyskinesia. Also called: Ciliary dyskinesia. Identifiers: Orphanet 244, MedGen C0008780, MONDO:0016575, HP:0012265.

Allele frequency attached by ClinVar (database versions not stated): gnomAD 0.00008 and 0.00009; gnomAD exomes 0.00004 and 0.00009; ExAC 0.00007; TOPMed 0.00007; ESP Exome Variant Server 0.00015; 1000 Genomes Project 30x 0.00031; 1000 Genomes Project 0.00040.
gnomAD v4.1: 133 of 1,614,154 alleles (0.0082%); highest among the groups gnomAD compares: Non-Finnish European, 0.011%; no homozygotes.

Submissions (7):

Labcorp Genetics (formerly Invitae), Labcorp
Classification: Likely benign for Primary ciliary dyskinesia. Last evaluated: 2025-12-23. Review status: criteria provided, single submitter. Criteria: Invitae Variant Classification Sherloc (09022015). Collection method: clinical testing. Allele origin: germline.

Ambry Genetics
Classification: Uncertain significance for Primary ciliary dyskinesia. Last evaluated: 2025-10-01. Review status: criteria provided, single submitter. Criteria: Ambry Variant Classification Scheme 2023. Collection method: clinical testing. Allele origin: germline.
Comment: The p.E4531K variant (also known as c.13591G>A), located in coding exon 78 of the DNAH5 gene, results from a G to A substitution at nucleotide position 13591. The glutamic acid at codon 4531 is replaced by lysine, an amino acid with similar properties. This amino acid position is conserved. In addition, this alteration is predicted to be tolerated by in silico analysis. Based on the available evidence, the clinical significance of this variant remains unclear.

Blueprint Genetics
Classification: Uncertain significance. Last evaluated: 2024-08-20. Review status: criteria provided, single submitter. Criteria: ACMG Guidelines, 2015. Collection method: clinical testing. Allele origin: germline.

Department of Human Genetics, Hannover Medical School
Classification: Uncertain significance for Primary ciliary dyskinesia 3. Last evaluated: 2024-08-09. Review status: criteria provided, single submitter. Criteria: ACMG Guidelines, 2015. Collection method: clinical testing. Allele origin: germline. Inheritance: Autosomal recessive inheritance. Affected: yes.

Mayo Clinic Laboratories, Mayo Clinic
Classification: Uncertain significance. Last evaluated: 2024-07-09. Review status: criteria provided, single submitter. Criteria: ACMG Guidelines, 2015. Collection method: clinical testing. Allele origin: germline. Observed: 1 variant allele.

Illumina Laboratory Services, Illumina
Classification: Uncertain significance for Primary ciliary dyskinesia 3. Last evaluated: 2018-01-13. Review status: criteria provided, single submitter. Criteria: ICSL Variant Classification Criteria 13 December 2019. Collection method: clinical testing. Allele origin: germline.

Natera, Inc.
Classification: Uncertain significance for Primary ciliary dyskinesia. Last evaluated: 2019-10-28. Review status: no assertion criteria provided. Collection method: clinical testing. Allele origin: germline. Not counted in ClinVar's aggregate classification.

NM_001369.3(DNAH5):c.13591G>A (p.Glu4531Lys)

Gene: DNAH5 (dynein axonemal heavy chain 5; minus strand). Cytogenetic location: 5p15.2.
Variant type: single nucleotide variant.
Coding change: c.13591G>A on transcript NM_001369.3 (MANE Select); coding-DNA position 13591, G replaced by A.
Protein change: p.Glu4531Lys; replaces glutamic acid 4531 with lysine.
Molecular consequence: missense variant.
Genome position (GRCh38, 1-based): chr5:13,700,772, C>T on the plus strand (G>A on the coding strand, the complement: DNAH5 is on the minus strand). VCF-style: chr5-13700772-C-T. GRCh37 (hg19) VCF-style: chr5-13700881-C-T.
Other names: p.Glu4531Lys; short protein forms E4531K.
Identifiers: ClinVar variation 577261 (VCV000577261.27), dbSNP rs201242847, ClinGen allele CA3201302.